The following is an entry in ClinVar:

NM_138773.4(SLC25A46):c.273del (p.Gln92fs)

Gene: SLC25A46 (solute carrier family 25 member 46; plus strand). Cytogenetic location: 5q22.1.
Variant type: Deletion.
Coding change: c.273del on transcript NM_138773.4 (MANE Select); coding-DNA position 273, one base deleted (G; older notation c.273delG).
Protein change: p.Gln92fs; shifts the reading frame from glutamine 92.
Molecular consequence: frameshift variant. On other transcripts: non-coding transcript variant (1), intron variant (1).
Genome position (GRCh38, 1-based): chr5:110,739,392, G deleted; the last of 4 consecutive G bases (chr5:110,739,389-110,739,392); deleting any one gives the same sequence. VCF-style (leftmost placement, unchanged base first): chr5-110739388-AG-A. GRCh37 (hg19) VCF-style: chr5-110075089-AG-A.
Other names: c.273del, p.Gln92fs (NM_001303249.3); c.10+1145del (NM_001303250.3); c.273delG (NM_138773.1); short protein forms Q92fs.
Identifiers: ClinVar variation 502218 (VCV000502218.13), dbSNP rs1022269942, ClinGen allele CA125342551.

ClinVar aggregate classification (germline): Conflicting classifications of pathogenicity. Review status: criteria provided, conflicting classifications (1 of 4 stars). 4 submissions from 4 submitters: Pathogenic (2); Likely pathogenic (1); Uncertain significance (1). Last evaluated 2025-10-08.

Conditions:
Inborn genetic diseases. Identifiers: MedGen C0950123, MeSH D030342.
Neuropathy, hereditary motor and sensory, type 6B (HMSN6B). Also called: HMSN VIB; CHARCOT-MARIE-TOOTH DISEASE, TYPE 6B; NEUROPATHY, HEREDITARY MOTOR AND SENSORY, TYPE VIB, WITH OPTIC ATROPHY; Neuropathy, hereditary motor and sensory, type VIB. Identifiers: MedGen C4225302, MONDO:0014671, OMIM 616505.

Submissions (4):

Dasa
Classification: Likely pathogenic. Last evaluated: 2025-10-08. Review status: criteria provided, single submitter. Criteria: DASA Assertion Criteria. Collection method: clinical testing. Allele origin: germline.
Comment: NM_138773.4(SLC25A46):c.273del (p.Gln92Argfs*6) is a frameshift variant in SLC25A46 predicted to alter the reading frame and introduce a premature termination codon and is predicted to result in an absent or altered protein product. Loss of function is an established disease mechanism for SLC25A46-associated disorders. Also, this variant is rare in population databases. Based on the currently available evidence, this variant is classified as likely pathogenic.

Labcorp Genetics (formerly Invitae), Labcorp
Classification: Pathogenic for Neuropathy, hereditary motor and sensory, type 6B. Last evaluated: 2024-10-22. Review status: criteria provided, single submitter. Criteria: Invitae Variant Classification Sherloc (09022015). Collection method: clinical testing. Allele origin: germline.
Comment: This sequence change creates a premature translational stop signal (p.Gln92Argfs*6) in the SLC25A46 gene. It is expected to result in an absent or disrupted protein product. Loss-of-function variants in SLC25A46 are known to be pathogenic (PMID: 26168012, 26951855, 27543974). This variant is present in population databases (no rsID available, gnomAD 0.003%). This variant has not been reported in the literature in individuals affected with SLC25A46-related conditions. ClinVar contains an entry for this variant (Variation ID: 502218). For these reasons, this variant has been classified as Pathogenic.

Ambry Genetics
Classification: Pathogenic for Inborn genetic diseases. Last evaluated: 2022-08-17. Review status: criteria provided, single submitter. Criteria: Ambry Variant Classification Scheme 2023. Collection method: clinical testing. Allele origin: germline.
Comment: The c.273delG (p.Q92Rfs*6) alteration, located in exon 1 (coding exon 1) of the SLC25A46 gene, consists of a deletion of one nucleotide at position 273, causing a translational frameshift with a predicted alternate stop codon after 6 amino acids. This alteration is expected to result in loss of function by premature protein truncation or nonsense-mediated mRNA decay. Based on data from gnomAD, the c.273delG allele has an overall frequency of 0.001% (2/150100) total alleles studied. The highest observed frequency was 0.003% (2/60478) of European (non-Finnish) alleles. Based on the available evidence, this alteration is classified as pathogenic.

Eurofins Ntd Llc (ga)
Classification: Uncertain significance. Last evaluated: 2017-06-02. Review status: criteria provided, single submitter. Criteria: EGL Classification Definitions 2015. Collection method: clinical testing. Allele origin: germline. Observed: 3 variant alleles, 2 heterozygotes, 1 homozygote.

Literature cited by the submitters: PubMed 26168012 (cited by Labcorp Genetics (formerly Invitae), Labcorp); PubMed 26951855 (cited by Labcorp Genetics (formerly Invitae), Labcorp); PubMed 27543974 (cited by Labcorp Genetics (formerly Invitae), Labcorp).